The following is an entry in ClinVar:

ClinVar aggregate classification (germline): Uncertain significance (1 of 4 stars; one submission).

Allele frequency attached by ClinVar (database versions not stated): gnomAD exomes below 0.00001.

Submission:

Labcorp Genetics (formerly Invitae), Labcorp
Classification: Uncertain significance. Last evaluated: 2026-01-27. Review status: criteria provided, single submitter. Criteria: Invitae Variant Classification Sherloc (09022015). Collection method: clinical testing. Allele origin: germline.
Comment: This sequence change replaces serine, which is neutral and polar, with phenylalanine, which is neutral and non-polar, at codon 619 of the WFS1 protein (p.Ser619Phe). This variant is not present in population databases (gnomAD no frequency). This missense change has been observed in individual(s) with early-onset type 2 diabetes (PMID: 37277527). ClinVar contains an entry for this variant (Variation ID: 2809416). Invitae Evidence Modeling of protein sequence and biophysical properties (such as structural, functional, and spatial information, amino acid conservation, physicochemical variation, residue mobility, and thermodynamic stability) indicates that this missense variant is not expected to disrupt WFS1 protein function with a negative predictive value of 80%. In summary, the available evidence is currently insufficient to determine the role of this variant in disease. Therefore, it has been classified as a Variant of Uncertain Significance.

Literature cited by the submitters: PubMed 37277527.

NM_006005.3(WFS1):c.1856C>T (p.Ser619Phe)

Gene: WFS1 (wolframin ER transmembrane glycoprotein; plus strand). Cytogenetic location: 4p16.1.
Variant type: single nucleotide variant.
Coding change: c.1856C>T on transcript NM_006005.3 (MANE Select); coding-DNA position 1856, C replaced by T.
Protein change: p.Ser619Phe; replaces serine 619 with phenylalanine.
Molecular consequence: missense variant.
Genome position (GRCh38, 1-based): chr4:6,301,651, C>T. VCF-style: chr4-6301651-C-T. GRCh37 (hg19) VCF-style: chr4-6303378-C-T.
Other names: c.1856C>T, p.Ser619Phe (NM_001145853.1); short protein forms S619F.
Identifiers: ClinVar variation 2809416 (VCV002809416.3), dbSNP rs2474195056, ClinGen allele CA356176977.